The following is an entry in ClinVar:

NM_012062.5(DNM1L):c.700G>A (p.Val234Ile)

Gene: DNM1L (dynamin 1L; plus strand). Cytogenetic location: 12p11.21.
Variant type: single nucleotide variant.
Coding change: c.700G>A on transcript NM_012062.5 (MANE Select); coding-DNA position 700, G replaced by A.
Protein change: p.Val234Ile; replaces valine 234 with isoleucine.
Molecular consequence: missense variant. On other transcripts: intron variant (1).
Genome position (GRCh38, 1-based): chr12:32,718,723, G>A. VCF-style: chr12-32718723-G-A. GRCh37 (hg19) VCF-style: chr12-32871657-G-A.
Other names: c.700G>A, p.Val234Ile (NM_001278463.2, NM_005690.5, NM_012063.4); c.739G>A, p.Val247Ile (NM_001278464.2, NM_001278465.2, NM_001330380.2); c.132-1941G>A (NM_001278466.2); short protein forms V234I, V247I.
Identifiers: ClinVar variation 5008436 (VCV005008436.1).
Genomic context (GRCh38, chr12:32,718,723, plus strand): 5'-ATCACTAAACTTGATCTCATGGATGCGGGTACTGATGCCATGGATGTATTGATGGGAAGG[G>A]TTATTCCAGTCAAACTTGGAATAATTGGAGTAGTTAACAGGTTAGCAGTTAGAATGGGAT-3'
Protein context (NP_036192.2, residues 224-244): TDAMDVLMGR[Val234Ile]IPVKLGIIGV

ClinVar aggregate classification (germline): Uncertain significance (1 of 4 stars; one submission).

Submission:

GeneDx
Classification: Uncertain significance. Last evaluated: 2026-03-12. Review status: criteria provided, single submitter. Criteria: GeneDx Variant Classification Process June 2021. Collection method: clinical testing. Allele origin: germline.
Comment: Not observed at significant frequency in large population cohorts (gnomAD); In silico analysis suggests that this missense variant does not alter protein structure/function; Has not been previously published as pathogenic or benign to our knowledge